The following is an entry in ClinVar:

NM_001378454.1(ALMS1):c.5360A>T (p.Asn1787Ile)

Gene: ALMS1 (ALMS1 centrosome and basal body associated protein; plus strand). Cytogenetic location: 2p13.1.
Variant type: single nucleotide variant.
Coding change: c.5360A>T on transcript NM_001378454.1 (MANE Select); coding-DNA position 5360, A replaced by T.
Protein change: p.Asn1787Ile; replaces asparagine 1787 with isoleucine.
Molecular consequence: missense variant.
Genome position (GRCh38, 1-based): chr2:73,451,887, A>T. VCF-style: chr2-73451887-A-T. GRCh37 (hg19) VCF-style: chr2-73679014-A-T.
Other names: c.5363A>T, p.Asn1788Ile (NM_015120.4); short protein forms N1787I, N1788I.
Identifiers: ClinVar variation 1346550 (VCV001346550.3), dbSNP rs1671949458, ClinGen allele CA347281100.

ClinVar aggregate classification (germline): Uncertain significance (1 of 4 stars; one submission).

Conditions:
Alstrom syndrome (ALMS). Identifiers: Orphanet 64, MedGen C0268425, MONDO:0008763, OMIM 203800.

Allele frequency attached by ClinVar (database versions not stated): gnomAD 0.00001.
gnomAD v4.1: 1 of 1,609,280 alleles (0.000062%); highest among the groups gnomAD compares: Admixed American, 0.0017%; no homozygotes.

Submission:

Labcorp Genetics (formerly Invitae), Labcorp
Classification: Uncertain significance for Alstrom syndrome. Last evaluated: 2022-01-03. Review status: criteria provided, single submitter. Criteria: Invitae Variant Classification Sherloc (09022015). Collection method: clinical testing. Allele origin: germline.
Comment: This sequence change replaces asparagine, which is neutral and polar, with isoleucine, which is neutral and non-polar, at codon 1788 of the ALMS1 protein (p.Asn1788Ile). This variant is not present in population databases (gnomAD no frequency). This variant has not been reported in the literature in individuals affected with ALMS1-related conditions. Experimental studies and prediction algorithms are not available or were not evaluated, and the functional significance of this variant is currently unknown. In summary, the available evidence is currently insufficient to determine the role of this variant in disease. Therefore, it has been classified as a Variant of Uncertain Significance.